The following is an entry in ClinVar:

ClinVar aggregate classification (germline): Uncertain significance (1 of 4 stars; one submission).

Submission:

Labcorp Genetics (formerly Invitae), Labcorp
Classification: Uncertain significance. Last evaluated: 2021-05-07. Review status: criteria provided, single submitter. Criteria: Invitae Variant Classification Sherloc (09022015). Collection method: clinical testing. Allele origin: germline.
Comment: This sequence change replaces alanine with valine at codon 132 of the SOX10 protein (p.Ala132Val). The alanine residue is highly conserved and there is a small physicochemical difference between alanine and valine. This variant is not present in population databases (ExAC no frequency). In summary, the available evidence is currently insufficient to determine the role of this variant in disease. Therefore, it has been classified as a Variant of Uncertain Significance. Algorithms developed to predict the effect of missense changes on protein structure and function are either unavailable or do not agree on the potential impact of this missense change (SIFT: "Deleterious"; PolyPhen-2: "Probably Damaging"; Align-GVGD: "Class C0"). This variant has not been reported in the literature in individuals with SOX10-related conditions.

NM_006941.4(SOX10):c.395C>T (p.Ala132Val)

Genes: POLR2F (RNA polymerase II, I and III subunit F; plus strand), SOX10 (SRY-box transcription factor 10; minus strand). Cytogenetic location: 22q13.1.
Variant type: single nucleotide variant.
Coding change: c.395C>T on transcript NM_006941.4 (MANE Select); coding-DNA position 395, C replaced by T.
Protein change: p.Ala132Val; replaces alanine 132 with valine.
Molecular consequence: missense variant. On other transcripts: intron variant (3).
Genome position (GRCh38, 1-based): chr22:37,983,390, G>A on the plus strand (C>T on the coding strand, the complement: SOX10 is on the minus strand). VCF-style: chr22-37983390-G-A. GRCh37 (hg19) VCF-style: chr22-38379397-G-A.
Other names: c.*38+11080G>A (NM_001363825.1); c.294-2764G>A (NM_001301130.2); c.293+16220G>A (NM_001301131.2); short protein forms A132V.
Identifiers: ClinVar variation 1393637 (VCV001393637.8), dbSNP rs2145776948, ClinGen allele CA411500176.